The following is an entry in ClinVar:

ClinVar aggregate classification (germline): Likely pathogenic (1 of 4 stars; one submission).

Submission:

Dasa
Classification: Likely pathogenic. Last evaluated: 2026-04-16. Review status: criteria provided, single submitter. Criteria: DASA Assertion Criteria. Collection method: clinical testing. Allele origin: germline.
Comment: NM_001017975.6(HFM1):c.3647del (p.Pro1216Leufs*12) is a frameshift variant in HFM1 predicted to alter the reading frame and introduce a premature termination codon and is predicted to result in an absent or altered protein product. Loss of function is an established disease mechanism for HFM1-associated disorders. Also, this variant is rare in population databases. Based on the currently available evidence, this variant is classified as likely pathogenic.

NM_001017975.6(HFM1):c.3647del (p.Pro1216fs)

Gene: HFM1 (helicase for meiosis 1; minus strand). Cytogenetic location: 1p22.2.
Variant type: Deletion.
Coding change: c.3647del on transcript NM_001017975.6 (MANE Select); coding-DNA position 3647, one base deleted (C; older notation c.3647delC).
Protein change: p.Pro1216fs; shifts the reading frame from proline 1216.
Molecular consequence: frameshift variant. On other transcripts: non-coding transcript variant (1).
Genome position (GRCh38, 1-based): chr1:91,274,751, G deleted on the plus strand (C on the coding strand, the reverse complement: HFM1 is on the minus strand); the first of 2 consecutive G bases (chr1:91,274,751-91,274,752); deleting either gives the same sequence. VCF-style (leftmost placement, unchanged base first): chr1-91274750-AG-A. GRCh37 (hg19) VCF-style: chr1-91740307-AG-A.
Other names: short protein forms P1216fs.
Identifiers: ClinVar variation 4880524 (VCV004880524.2).